The following is an entry in ClinVar:

ClinVar aggregate classification (germline): Uncertain significance. Review status: criteria provided, multiple submitters, no conflicts (2 of 4 stars). 2 submissions from 2 submitters: Uncertain significance (2). Last evaluated 2026-04-17.

Conditions:
SIX5-related disorder. Also called: SIX5-related condition.

Submissions (2):

PreventionGenetics, part of Exact Sciences
Classification: Uncertain significance for SIX5-related condition. Last evaluated: 2026-04-17. Review status: criteria provided, single submitter. Criteria: ACMG Guidelines, 2015. Collection method: clinical testing. Allele origin: germline.
Comment: The SIX5 c.70_72dupGCG variant is predicted to result in an in-frame duplication (p.Ala24dup). To our knowledge, this variant has not been reported in the literature. This variant is reported in 0.019% of alleles in individuals of European (Finnish) descent in gnomAD. At this time, the clinical significance of this variant is uncertain due to the absence of conclusive functional and genetic evidence.

Labcorp Genetics (formerly Invitae), Labcorp
Classification: Uncertain significance. Last evaluated: 2024-05-20. Review status: criteria provided, single submitter. Criteria: Invitae Variant Classification Sherloc (09022015). Collection method: clinical testing. Allele origin: germline.
Comment: This variant, c.70_72dup, results in the insertion of 1 amino acid(s) of the SIX5 protein (p.Ala24dup), but otherwise preserves the integrity of the reading frame. This variant is present in population databases (rs746882479, gnomAD 0.02%). This variant has not been reported in the literature in individuals affected with SIX5-related conditions. Experimental studies and prediction algorithms are not available or were not evaluated, and the functional significance of this variant is currently unknown. In summary, the available evidence is currently insufficient to determine the role of this variant in disease. Therefore, it has been classified as a Variant of Uncertain Significance.

NM_175875.5(SIX5):c.58GCG[6] (p.Ala24_Thr25insAla)

Genes: DM1-AS (DM1 locus antisense RNA; plus strand), SIX5 (SIX homeobox 5; minus strand), LOC107075317 (origin of replication in DMPK trinucleotide repeat region; plus strand). Cytogenetic location: 19q13.32.
Variant type: Microsatellite.
Coding change: c.58GCG[6] on transcript NM_175875.5 (MANE Select); six copies in a row of the 3-base unit GCG starting at c.58; the reference has five copies in a row; one copy, 3 bases duplicated.
Protein change: p.Ala24_Thr25insAla.
Molecular consequence: inframe insertion.
Genome position (GRCh38, 1-based): chr19:45,768,773-45,768,775, CGC duplicated on the plus strand (GCG on the coding strand, the reverse complement: SIX5 is on the minus strand); duplicating any 3 consecutive bases within chr19:45,768,773-45,768,788 gives the same sequence; the position shown is the placement nearest the transcript's 3' end. VCF-style (leftmost placement, unchanged base first): chr19-45768772-T-TCGC. GRCh37 (hg19) VCF-style: chr19-46272030-T-TCGC.
Other names: c.70_72dupGCG (NM_175875.4).
Identifiers: ClinVar variation 2962046 (VCV002962046.4), dbSNP rs746882479, ClinGen allele CA9520870.
Genomic context (GRCh38, chr19:45,768,772, plus strand): 5'-CACCCTCGGCCGCCTGCAAAGTCTGCAAGAGCTGGCGCGCTTCCTCCTCCTCCTCTTCGG[T>TCGC]CGCCGCCGCCGCCGCCACCGCCTCCCCCCCAGCCGCCGGCCCCGCGCTCGGCTCCGCAGG-3'